The following is an entry in ClinVar:

ClinVar aggregate classification (germline): Likely benign (0 of 4 stars; one submission).

Conditions:
ACTN4-related disorder. Also called: ACTN4-related condition.

Allele frequency attached by ClinVar (database versions not stated): 1000 Genomes Project 30x 0.00016; 1000 Genomes Project 0.00020; TOPMed 0.00020; gnomAD 0.00028; ExAC 0.00036.
gnomAD v4.1: 207 of 1,015,612 alleles (0.02%); highest among the groups gnomAD compares: Admixed American, 0.072%; no homozygotes.

Submission:

PreventionGenetics, part of Exact Sciences
Classification: Likely benign for ACTN4-related condition. Last evaluated: 2022-03-07. Review status: no assertion criteria provided. Collection method: clinical testing. Allele origin: germline.
Comment: This variant is classified as likely benign based on ACMG/AMP sequence variant interpretation guidelines (Richards et al. 2015 PMID: 25741868, with internal and published modifications).

NM_004924.6(ACTN4):c.819+930G>A

Gene: ACTN4 (actinin alpha 4; plus strand). Cytogenetic location: 19q13.2.
Variant type: single nucleotide variant.
Coding change: c.819+930G>A on transcript NM_004924.6 (MANE Select); 930 bases into the intron after coding-DNA position 819, G replaced by A.
Molecular consequence: intron variant.
Genome position (GRCh38, 1-based): chr19:38,711,272, G>A. VCF-style: chr19-38711272-G-A. GRCh37 (hg19) VCF-style: chr19-39201912-G-A.
Other names: c.734-4G>A (NM_001411143.1, NM_001322033.2).
Identifiers: ClinVar variation 3046345 (VCV003046345.2), dbSNP rs571538406, ClinGen allele CA9417431.
Genomic context (GRCh38, chr19:38,711,272, plus strand): 5'-CCGCCCTCCCTGCGTCTTTCACTCTCTCCTGCCTCTCTCTCTCTTTCTCTCTCTCTCTGT[G>A]CAGATATTGTGGGCACTCTGAGGCCAGATGAGAAGGCCATCATGACTTACGTGTCCTGCT-3'